The following is an entry in ClinVar:

ClinVar aggregate classification (germline): Uncertain significance. Review status: criteria provided, multiple submitters, no conflicts (2 of 4 stars). 3 submissions from 3 submitters: Uncertain significance (2). 1 of the submissions does not count toward it. Last evaluated 2025-01-20.

Conditions:
Kennedy disease (SMAX1). Also called: KENNEDY SPINAL AND BULBAR MUSCULAR ATROPHY; SPINAL AND BULBAR MUSCULAR ATROPHY, X-LINKED 1; Spinal and Bulbar Muscular Atrophy. Identifiers: Orphanet 481, MedGen C1839259, MONDO:0010735, OMIM 313200.
Androgen resistance syndrome (AIS). Also called: Androgen insensitivity, complete; DIHYDROTESTOSTERONE RECEPTOR DEFICIENCY; Androgen insensitivity; Androgen insensitivity syndrome; ANDROGEN RECEPTOR DEFICIENCY; TESTICULAR FEMINIZATION SYNDROME. Identifiers: Orphanet 754, Orphanet 99429, MedGen C0039585, MONDO:0019154, OMIM 300068. Disease mechanism: loss of function.
Prostate cancer, somatic. Identifiers: MedGen C4015779.

Submissions (3):

Labcorp Genetics (formerly Invitae), Labcorp
Classification: Uncertain significance for Kennedy disease; Androgen resistance syndrome. Last evaluated: 2025-01-20. Review status: criteria provided, single submitter. Criteria: Invitae Variant Classification Sherloc (09022015). Collection method: clinical testing. Allele origin: germline.
Comment: This sequence change replaces alanine, which is neutral and non-polar, with threonine, which is neutral and polar, at codon 722 of the AR protein (p.Ala722Thr). This variant is not present in population databases (gnomAD no frequency). This variant has not been reported in the literature in individuals affected with AR-related conditions. ClinVar contains an entry for this variant (Variation ID: 9836). Invitae Evidence Modeling of protein sequence and biophysical properties (such as structural, functional, and spatial information, amino acid conservation, physicochemical variation, residue mobility, and thermodynamic stability) has been performed for this missense variant. However, the output from this modeling did not meet the statistical confidence thresholds required to predict the impact of this variant on AR protein function. In summary, the available evidence is currently insufficient to determine the role of this variant in disease. Therefore, it has been classified as a Variant of Uncertain Significance.

Women's Health and Genetics/Laboratory Corporation of America, LabCorp
Classification: Uncertain significance. Last evaluated: 2024-08-01. Review status: criteria provided, single submitter. Criteria: LabCorp Variant Classification Summary - May 2015. Collection method: clinical testing. Allele origin: germline.
Comment: Variant summary: AR c.2164G>A (p.Ala722Thr) results in a non-conservative amino acid change located in the Nuclear hormone receptor, ligand-binding domain (IPR000536) of the encoded protein sequence. Four of five in-silico tools predict a damaging effect of the variant on protein function. The variant was absent in 171949 control chromosomes. The available data on variant occurrences in the general population are insufficient to allow any conclusion about variant significance. To our knowledge, no occurrence of c.2164G>A in individuals affected with Androgen Resistance Syndrome and no experimental evidence demonstrating its impact on protein function have been reported. ClinVar contains an entry for this variant (Variation ID: 9836). Based on the evidence outlined above, the variant was classified as uncertain significance.

OMIM
Classification: Pathogenic for PROSTATE CANCER, SOMATIC. Last evaluated: 1995-05-25. Review status: no assertion criteria provided. Collection method: literature only. Allele origin: somatic. Not counted in ClinVar's aggregate classification.

Literature cited by the submitters: PubMed 7723794 (cited by OMIM).

NM_000044.6(AR):c.2164G>A (p.Ala722Thr)

Gene: AR (androgen receptor; plus strand). Cytogenetic location: Xq12.
Variant type: single nucleotide variant.
Coding change: c.2164G>A on transcript NM_000044.6 (MANE Select); coding-DNA position 2164, G replaced by A.
Protein change: p.Ala722Thr; replaces alanine 722 with threonine.
Molecular consequence: missense variant.
Genome position (GRCh38, 1-based): chrX:67,711,680, G>A. VCF-style: chrX-67711680-G-A. GRCh37 (hg19) VCF-style: chrX-66931522-G-A.
Other names: A721T; c.568G>A, p.Ala190Thr (NM_001011645.3); short protein forms A190T, A722T.
Identifiers: ClinVar variation 9836 (VCV000009836.11), dbSNP rs137852583, ClinGen allele CA120752.